The following is an entry in ClinVar:

ClinVar aggregate classification (germline): Uncertain significance (1 of 4 stars; one submission).

Conditions:
DK1-congenital disorder of glycosylation. Also called: DK1-CDG; DOLK-congenital disorder of glycosylation; Carbohydrate deficient glycoprotein syndrome type 1m; CDG Im; DK1 DEFICIENCY; DOLICHOL KINASE DEFICIENCY. Identifiers: Orphanet 91131, MedGen C1835849, MONDO:0012556, OMIM 610768.

Submission:

Labcorp Genetics (formerly Invitae), Labcorp
Classification: Uncertain significance for DK1-congenital disorder of glycosylation. Last evaluated: 2022-04-04. Review status: criteria provided, single submitter. Criteria: Invitae Variant Classification Sherloc (09022015). Collection method: clinical testing. Allele origin: germline.
Comment: In summary, the available evidence is currently insufficient to determine the role of this variant in disease. Therefore, it has been classified as a Variant of Uncertain Significance. Algorithms developed to predict the effect of missense changes on protein structure and function are either unavailable or do not agree on the potential impact of this missense change (SIFT: "Tolerated"; PolyPhen-2: "Possibly Damaging"; Align-GVGD: "Class C0"). This variant has not been reported in the literature in individuals affected with DOLK-related conditions. This variant is not present in population databases (gnomAD no frequency). This sequence change replaces serine, which is neutral and polar, with isoleucine, which is neutral and non-polar, at codon 33 of the DOLK protein (p.Ser33Ile).

NM_014908.4(DOLK):c.98G>T (p.Ser33Ile)

Gene: DOLK (dolichol kinase; minus strand). Cytogenetic location: 9q34.11.
Variant type: single nucleotide variant.
Coding change: c.98G>T on transcript NM_014908.4 (MANE Select); coding-DNA position 98, G replaced by T.
Protein change: p.Ser33Ile; replaces serine 33 with isoleucine.
Molecular consequence: missense variant.
Genome position (GRCh38, 1-based): chr9:128,947,206, C>A on the plus strand (G>T on the coding strand, the complement: DOLK is on the minus strand). VCF-style: chr9-128947206-C-A. GRCh37 (hg19) VCF-style: chr9-131709485-C-A.
Other names: short protein forms S33I.
Identifiers: ClinVar variation 2024846 (VCV002024846.4), dbSNP rs766362741, ClinGen allele CA375128506.